The following is an entry in ClinVar:

ClinVar aggregate classification (germline): Uncertain significance (1 of 4 stars; one submission).

Conditions:
Hypertrophic cardiomyopathy. Also called: HYPERTROPHIC MYOCARDIOPATHY. Identifiers: Orphanet 217569, MedGen C0007194, MeSH D002312, MONDO:0005045, HP:0001639.

Submission:

Labcorp Genetics (formerly Invitae), Labcorp
Classification: Uncertain significance for Hypertrophic cardiomyopathy. Last evaluated: 2022-06-28. Review status: criteria provided, single submitter. Criteria: Invitae Variant Classification Sherloc (09022015). Collection method: clinical testing. Allele origin: germline.
Comment: This sequence change replaces glycine, which is neutral and non-polar, with arginine, which is basic and polar, at codon 414 of the MYH7 protein (p.Gly414Arg). This variant is not present in population databases (gnomAD no frequency). This variant has not been reported in the literature in individuals affected with MYH7-related conditions. Algorithms developed to predict the effect of missense changes on protein structure and function are either unavailable or do not agree on the potential impact of this missense change (SIFT: "Deleterious"; PolyPhen-2: "Probably Damaging"; Align-GVGD: "Class C0"). This variant is found within a region of MYH7 between codons 181 and 937 that contains the majority of the myosin head domain. Missense variants in this region have been shown to be significantly overrepresented in individuals with hypertrophic cardiomyopathy (PMID: 27532257). In summary, the available evidence is currently insufficient to determine the role of this variant in disease. Therefore, it has been classified as a Variant of Uncertain Significance.

Literature cited by the submitters: PubMed 27532257.

NM_000257.4(MYH7):c.1240G>A (p.Gly414Arg)

Gene: MYH7 (myosin heavy chain 7; minus strand). Cytogenetic location: 14q11.2.
Variant type: single nucleotide variant.
Coding change: c.1240G>A on transcript NM_000257.4 (MANE Select); coding-DNA position 1240, G replaced by A.
Protein change: p.Gly414Arg; replaces glycine 414 with arginine.
Molecular consequence: missense variant.
Genome position (GRCh38, 1-based): chr14:23,429,246, C>T on the plus strand (G>A on the coding strand, the complement: MYH7 is on the minus strand). VCF-style: chr14-23429246-C-T. GRCh37 (hg19) VCF-style: chr14-23898455-C-T.
Other names: c.1240G>A, p.Gly414Arg (NM_001407004.1); short protein forms G414R.
Identifiers: ClinVar variation 2011800 (VCV002011800.4), dbSNP rs2502303055, ClinGen allele CA389051055.